The following is an entry in ClinVar:

ClinVar aggregate classification (germline): Uncertain significance (1 of 4 stars; one submission).

gnomAD v4.1: 1 of 1,613,580 alleles (0.000062%); highest among the groups gnomAD compares: Non-Finnish European, 0.000085%; no homozygotes.

Submission:

Labcorp Genetics (formerly Invitae), Labcorp
Classification: Uncertain significance. Last evaluated: 2026-01-27. Review status: criteria provided, single submitter. Criteria: Invitae Variant Classification Sherloc (09022015). Collection method: clinical testing. Allele origin: germline.
Comment: This sequence change replaces leucine, which is neutral and non-polar, with phenylalanine, which is neutral and non-polar, at codon 109 of the SERPING1 protein (p.Leu109Phe). This variant is not present in population databases (gnomAD no frequency). This variant has not been reported in the literature in individuals affected with SERPING1-related conditions. Invitae Evidence Modeling of protein sequence and biophysical properties (such as structural, functional, and spatial information, amino acid conservation, physicochemical variation, residue mobility, and thermodynamic stability) has been performed for this missense variant. However, the output from this modeling did not meet the statistical confidence thresholds required to predict the impact of this variant on SERPING1 protein function. In summary, the available evidence is currently insufficient to determine the role of this variant in disease. Therefore, it has been classified as a Variant of Uncertain Significance.

NM_000062.3(SERPING1):c.325C>T (p.Leu109Phe)

Gene: SERPING1 (serpin family G member 1; plus strand). Cytogenetic location: 11q12.1.
Variant type: single nucleotide variant.
Coding change: c.325C>T on transcript NM_000062.3 (MANE Select); coding-DNA position 325, C replaced by T.
Protein change: p.Leu109Phe; replaces leucine 109 with phenylalanine.
Molecular consequence: missense variant.
Genome position (GRCh38, 1-based): chr11:57,600,152, C>T. VCF-style: chr11-57600152-C-T. GRCh37 (hg19) VCF-style: chr11-57367625-C-T.
Other names: c.325C>T, p.Leu109Phe (NM_001032295.2); short protein forms L109F.
Identifiers: ClinVar variation 4806928 (VCV004806928.1).